The following is an entry in ClinVar:

ClinVar aggregate classification (germline): Likely benign. Review status: criteria provided, single submitter (1 of 4 stars). 2 submissions from 2 submitters: Likely benign (1). 1 of the submissions does not count toward it. Last evaluated 2022-07-30.

Conditions:
VPS13B-related disorder. Also called: VPS13B-related condition.
Cohen syndrome (COH1). Also called: PEPPER SYNDROME; Cutis verticis gyrata, retinitis pigmentosa, and sensorineural deafness. Identifiers: Orphanet 193, MedGen C0265223, MONDO:0008999, OMIM 216550.

Allele frequency attached by ClinVar (database versions not stated): gnomAD exomes below 0.00001.
gnomAD v4.1: 3 of 1,614,156 alleles (0.00019%); highest among the groups gnomAD compares: African/African-American, 0.0013%; no homozygotes.

Submissions (2):

Labcorp Genetics (formerly Invitae), Labcorp
Classification: Likely benign for Cohen syndrome. Last evaluated: 2022-07-30. Review status: criteria provided, single submitter. Criteria: Invitae Variant Classification Sherloc (09022015). Collection method: clinical testing. Allele origin: germline.

PreventionGenetics, part of Exact Sciences
Classification: Likely benign for VPS13B-related condition. Last evaluated: 2023-08-05. Review status: no assertion criteria provided. Collection method: clinical testing. Allele origin: germline. Not counted in ClinVar's aggregate classification.
Comment: This variant is classified as likely benign based on ACMG/AMP sequence variant interpretation guidelines (Richards et al. 2015 PMID: 25741868, with internal and published modifications).

NM_152564.5(VPS13B):c.2592A>G (p.Ser864=)

Gene: VPS13B (vacuolar protein sorting 13 homolog B; plus strand). Cytogenetic location: 8q22.2.
Variant type: single nucleotide variant.
Coding change: c.2592A>G on transcript NM_152564.5 (MANE Select); coding-DNA position 2592, A replaced by G.
Protein change: p.Ser864=; no amino-acid change (serine 864 retained).
Molecular consequence: synonymous variant.
Genome position (GRCh38, 1-based): chr8:99,274,274, A>G. VCF-style: chr8-99274274-A-G. GRCh37 (hg19) VCF-style: chr8-100286502-A-G.
Other names: c.2592A>G, p.Ser864= (NM_017890.5).
Identifiers: ClinVar variation 1905370 (VCV001905370.6), dbSNP rs2489223196, ClinGen allele CA462422022.